The following is an entry in ClinVar:

ClinVar aggregate classification (germline): Uncertain significance (1 of 4 stars; one submission).

Conditions:
Inborn genetic diseases. Identifiers: MedGen C0950123, MeSH D030342.

Submission:

Ambry Genetics
Classification: Uncertain significance for Inborn genetic diseases. Last evaluated: 2025-12-16. Review status: criteria provided, single submitter. Criteria: Ambry Variant Classification Scheme 2023. Collection method: clinical testing. Allele origin: germline.
Comment: The p.P567S variant (also known as c.1699C>T), located in coding exon 10 of the FANCM gene, results from a C to T substitution at nucleotide position 1699. The proline at codon 567 is replaced by serine, an amino acid with similar properties. This amino acid position is conserved. In addition, the in silico prediction for this alteration is inconclusive. Based on the available evidence, the clinical significance of this variant remains unclear.

NM_020937.4(FANCM):c.1699C>T (p.Pro567Ser)

Gene: FANCM (FA complementation group M; plus strand). Cytogenetic location: 14q21.2.
Variant type: single nucleotide variant.
Coding change: c.1699C>T on transcript NM_020937.4 (MANE Select); coding-DNA position 1699, C replaced by T.
Protein change: p.Pro567Ser; replaces proline 567 with serine.
Molecular consequence: missense variant.
Genome position (GRCh38, 1-based): chr14:45,164,476, C>T. VCF-style: chr14-45164476-C-T. GRCh37 (hg19) VCF-style: chr14-45633679-C-T.
Other names: c.1621C>T, p.Pro541Ser (NM_001308133.2); c.1699C>T, p.Pro567Ser (NM_001308134.2); short protein forms P541S, P567S.
Identifiers: ClinVar variation 4841725 (VCV004841725.1).